The following is an entry in ClinVar:

ClinVar aggregate classification (germline): Likely benign. Review status: criteria provided, multiple submitters, no conflicts (2 of 4 stars). 2 submissions from 2 submitters: Likely benign (2). Last evaluated 2025-03-31.

Allele frequency attached by ClinVar (database versions not stated): gnomAD exomes 0.00001; ExAC 0.00002; gnomAD 0.00003; TOPMed 0.00003.
gnomAD v4.1: 17 of 1,613,826 alleles (0.0011%); highest among the groups gnomAD compares: Non-Finnish European, 0.0014%; no homozygotes.

Submissions (2):

Labcorp Genetics (formerly Invitae), Labcorp
Classification: Likely benign. Last evaluated: 2025-03-31. Review status: criteria provided, single submitter. Criteria: Invitae Variant Classification Sherloc (09022015). Collection method: clinical testing. Allele origin: germline.

CeGaT Center for Human Genetics Tuebingen
Classification: Likely benign. Last evaluated: 2024-02-01. Review status: criteria provided, single submitter. Criteria: CeGaT Center For Human Genetics Tuebingen Variant Classification Criteria Version 2. Collection method: clinical testing. Allele origin: germline. Affected: yes. Observed: 1 variant allele.
Comment: NR3C1: BP4, BP7

NM_000176.3(NR3C1):c.2142G>T (p.Arg714=)

Gene: NR3C1 (nuclear receptor subfamily 3 group C member 1; minus strand). Cytogenetic location: 5q31.3.
Variant type: single nucleotide variant.
Coding change: c.2142G>T on transcript NM_000176.3 (MANE Select); coding-DNA position 2142, G replaced by T.
Protein change: p.Arg714=; no amino-acid change (arginine 714 retained).
Molecular consequence: synonymous variant. On other transcripts: non-coding transcript variant (1).
Genome position (GRCh38, 1-based): chr5:143,282,607, C>A on the plus strand (G>T on the coding strand, the complement: NR3C1 is on the minus strand). VCF-style: chr5-143282607-C-A. GRCh37 (hg19) VCF-style: chr5-142662172-C-A.
Other names: c.2142G>T, p.Arg714= (NM_001018074.1, NM_001018075.1, NM_001018076.2 and 5 more transcripts); c.2145G>T, p.Arg715= (NM_001024094.2, NM_001364183.2, NM_001364184.2 and 1 more transcripts); c.2064G>T, p.Arg688= (NM_001204258.2); c.1887G>T, p.Arg629= (NM_001204259.2); c.1875G>T, p.Arg625= (NM_001204260.2); c.1851G>T, p.Arg617= (NM_001204261.2); c.1197G>T, p.Arg399= (NM_001204262.2); c.1152G>T, p.Arg384= (NM_001204263.2); and 1 more.
Identifiers: ClinVar variation 3024808 (VCV003024808.24), dbSNP rs774364229, ClinGen allele CA3486715.